The following is an entry in ClinVar:

NM_000626.4(CD79B):c.250G>A (p.Glu84Lys)

Genes: CD79B (CD79b molecule; minus strand), GH-LCR (growth hormone locus control region; plus strand). Cytogenetic location: 17q23.3.
Variant type: single nucleotide variant.
Coding change: c.250G>A on transcript NM_000626.4 (MANE Select); coding-DNA position 250, G replaced by A.
Protein change: p.Glu84Lys; replaces glutamic acid 84 with lysine.
Molecular consequence: missense variant. On other transcripts: intron variant (2).
Genome position (GRCh38, 1-based): chr17:63,930,254, C>T on the plus strand (G>A on the coding strand, the complement: CD79B is on the minus strand). VCF-style: chr17-63930254-C-T. GRCh37 (hg19) VCF-style: chr17-62007614-C-T.
Other names: c.253G>A, p.Glu85Lys (NM_001039933.3); c.119-366G>A (NM_021602.4); c.122-366G>A (NM_001329050.2); c.250G>A (NM_000626.2); short protein forms E84K, E85K.
Identifiers: ClinVar variation 567186 (VCV000567186.11), dbSNP rs373082402, ClinGen allele CA8708600.

ClinVar aggregate classification (germline): Conflicting classifications of pathogenicity. Review status: criteria provided, conflicting classifications (1 of 4 stars). 3 submissions from 3 submitters: Uncertain significance (2); Likely benign (1). Last evaluated 2025-03-25.

Conditions:
Agammaglobulinemia 6, autosomal recessive (AGM6). Also called: AGAMMAGLOBULINEMIA 6; AGAMMAGLOBULINEMIA, AUTOSOMAL RECESSIVE, DUE TO CD79B DEFECT. Identifiers: MedGen C3150207, MONDO:0012987, OMIM 612692.

Allele frequency attached by ClinVar (database versions not stated): ExAC 0.00004; gnomAD 0.00013 and 0.00015; gnomAD exomes 0.00004 and 0.00005; ESP Exome Variant Server 0.00015; TOPMed 0.00011.
gnomAD v4.1: 78 of 1,614,070 alleles (0.0048%); highest among the groups gnomAD compares: African/African-American, 0.029%; no homozygotes.

Submissions (3):

Ambry Genetics
Classification: Likely benign. Last evaluated: 2025-03-25. Review status: criteria provided, single submitter. Criteria: Ambry Variant Classification Scheme 2023. Collection method: clinical testing. Allele origin: germline.

Labcorp Genetics (formerly Invitae), Labcorp
Classification: Uncertain significance for Agammaglobulinemia 6, autosomal recessive. Last evaluated: 2022-05-06. Review status: criteria provided, single submitter. Criteria: Invitae Variant Classification Sherloc (09022015). Collection method: clinical testing. Allele origin: germline.
Comment: This sequence change replaces glutamic acid, which is acidic and polar, with lysine, which is basic and polar, at codon 84 of the CD79B protein (p.Glu84Lys). This variant is present in population databases (rs373082402, gnomAD 0.03%). This variant has not been reported in the literature in individuals affected with CD79B-related conditions. ClinVar contains an entry for this variant (Variation ID: 567186). Algorithms developed to predict the effect of missense changes on protein structure and function output the following: SIFT: "Not Available"; PolyPhen-2: "Benign"; Align-GVGD: "Not Available". The lysine amino acid residue is found in multiple mammalian species, which suggests that this missense change does not adversely affect protein function. In summary, the available evidence is currently insufficient to determine the role of this variant in disease. Therefore, it has been classified as a Variant of Uncertain Significance.

Fulgent Genetics
Classification: Uncertain significance for Agammaglobulinemia 6, autosomal recessive. Last evaluated: 2021-10-14. Review status: criteria provided, single submitter. Criteria: ACMG Guidelines, 2015. Collection method: clinical testing. Allele origin: unknown.